The following is an entry in ClinVar:

ClinVar aggregate classification (germline): Uncertain significance (1 of 4 stars; one submission).

Conditions:
Inborn genetic diseases. Identifiers: MedGen C0950123, MeSH D030342.

gnomAD v4.1: 2 of 1,610,772 alleles (0.00012%); highest among the groups gnomAD compares: Non-Finnish European, 0.00017%; no homozygotes.

Submission:

Ambry Genetics
Classification: Uncertain significance for Inborn genetic diseases. Last evaluated: 2024-06-20. Review status: criteria provided, single submitter. Criteria: Ambry Variant Classification Scheme 2023. Collection method: clinical testing. Allele origin: germline.
Comment: The c.1909G>T (p.G637W) alteration is located in exon 22 (coding exon 21) of the RTEL1 gene. This alteration results from a G to T substitution at nucleotide position 1909, causing the glycine (G) at amino acid position 637 to be replaced by a tryptophan (W). This variant was not reported in population-based cohorts in the Genome Aggregation Database (gnomAD). This amino acid position is not well conserved in available vertebrate species. The in silico prediction for this alteration is inconclusive. Based on insufficient or conflicting evidence, the clinical significance of this alteration remains unclear.

NM_001283009.2(RTEL1):c.1837G>T (p.Gly613Trp)

Genes: RTEL1 (regulator of telomere elongation helicase 1; plus strand), RTEL1-TNFRSF6B (RTEL1-TNFRSF6B readthrough (NMD candidate); plus strand). Cytogenetic location: 20q13.33.
Variant type: single nucleotide variant.
Coding change: c.1837G>T on transcript NM_001283009.2 (MANE Select); coding-DNA position 1837, G replaced by T.
Protein change: p.Gly613Trp; replaces glycine 613 with tryptophan.
Molecular consequence: missense variant. On other transcripts: non-coding transcript variant (1).
Genome position (GRCh38, 1-based): chr20:63,689,091, G>T. VCF-style: chr20-63689091-G-T. GRCh37 (hg19) VCF-style: chr20-62320444-G-T.
Other names: c.1168G>T, p.Gly390Trp (NM_001283010.1); c.1837G>T, p.Gly613Trp (NM_016434.4); c.1909G>T, p.Gly637Trp (NM_032957.5); short protein forms G613W, G390W, G637W.
Identifiers: ClinVar variation 3315625 (VCV003315625.1).
Genomic context (GRCh38, chr20:63,689,091, plus strand): 5'-CAGCCTCACCAACTTTCCTTCCAGACCATCAGTGCTTACTATGCAAGGGTTGCCGCCCCT[G>T]GGTCCACCGGCGCCACCTTCCTGGCGGTCTGCCGGGGCAAGGTGAGCTCTCCAGGGCCCT-3'
Protein context (NP_001269938.1, residues 603-623): SAYYARVAAP[Gly613Trp]STGATFLAVC